The following is an entry in ClinVar:

ClinVar aggregate classification (germline): Uncertain significance (1 of 4 stars; one submission).

Submission:

GeneDx
Classification: Uncertain significance. Last evaluated: 2022-08-30. Review status: criteria provided, single submitter. Criteria: GeneDx Variant Classification Process June 2021. Collection method: clinical testing. Allele origin: germline. Affected: yes.
Comment: Not observed at significant frequency in large population cohorts (gnomAD); In silico analysis supports that this missense variant does not alter protein structure/function; Has not been previously published as pathogenic or benign to our knowledge

NM_206933.4(USH2A):c.12409A>G (p.Arg4137Gly)

Gene: USH2A (usherin; minus strand). Cytogenetic location: 1q41.
Variant type: single nucleotide variant.
Coding change: c.12409A>G on transcript NM_206933.4 (MANE Select); coding-DNA position 12409, A replaced by G.
Protein change: p.Arg4137Gly; replaces arginine 4137 with glycine.
Molecular consequence: missense variant.
Genome position (GRCh38, 1-based): chr1:215,675,502, T>C on the plus strand (A>G on the coding strand, the complement: USH2A is on the minus strand). VCF-style: chr1-215675502-T-C. GRCh37 (hg19) VCF-style: chr1-215848844-T-C.
Other names: short protein forms R4137G.
Identifiers: ClinVar variation 2442755 (VCV002442755.1), dbSNP rs2464900617, ClinGen allele CA344851000.
Genomic context (GRCh38, chr1:215,675,502, plus strand): 5'-AGTCTGGAGGGGCTTCATCTGTCCACAGAGGCTGAGGCGCCGAGTGTGCACAACCTGCTC[T>C]GGTGCAGGCCTCCAGGGTCAGTGTGTAGAGAGTGAAAGGATCCAGGCGGCGGAAGAGAAA-3'
Protein context (NP_996816.3, residues 4127-4147): LYTLTLEACT[Arg4137Gly]AGCAHSAPQP